The following is an entry in ClinVar:

NM_173551.5(ANKS6):c.2511+3A>G

Gene: ANKS6 (ankyrin repeat and sterile alpha motif domain containing 6; minus strand). Cytogenetic location: 9q22.33.
Variant type: single nucleotide variant.
Coding change: c.2511+3A>G on transcript NM_173551.5 (MANE Select); 3 bases into the intron after coding-DNA position 2511, A replaced by G.
Molecular consequence: intron variant.
Genome position (GRCh38, 1-based): chr9:98,745,556, T>C on the plus strand (A>G on the coding strand, the complement: ANKS6 is on the minus strand). VCF-style: chr9-98745556-T-C. GRCh37 (hg19) VCF-style: chr9-101507838-T-C.
Identifiers: ClinVar variation 1382569 (VCV001382569.6), dbSNP rs2131933540, ClinGen allele CA2573144933.

ClinVar aggregate classification (germline): Uncertain significance (1 of 4 stars; one submission).

Conditions:
Nephronophthisis 16 (NPHP16). Identifiers: Orphanet 655, MedGen C3809320, MONDO:0014158, OMIM 615382.

Allele frequency attached by ClinVar (database versions not stated): gnomAD exomes 0.00001.
gnomAD v4.1: 3 of 1,609,530 alleles (0.00019%); highest among the groups gnomAD compares: East Asian, 0.0045%; no homozygotes.

Submission:

Labcorp Genetics (formerly Invitae), Labcorp
Classification: Uncertain significance for Nephronophthisis 16. Last evaluated: 2025-06-20. Review status: criteria provided, single submitter. Criteria: Invitae Variant Classification Sherloc (09022015). Collection method: clinical testing. Allele origin: germline.
Comment: This sequence change falls in intron 14 of the ANKS6 gene. It does not directly change the encoded amino acid sequence of the ANKS6 protein. It affects a nucleotide within the consensus splice site. This variant is not present in population databases (gnomAD no frequency). This variant has not been reported in the literature in individuals affected with ANKS6-related conditions. ClinVar contains an entry for this variant (Variation ID: 1382569). Variants that disrupt the consensus splice site are a relatively common cause of aberrant splicing (PMID: 17576681, 9536098). Algorithms developed to predict the effect of sequence changes on RNA splicing suggest that this variant may disrupt the consensus splice site. In summary, the available evidence is currently insufficient to determine the role of this variant in disease. Therefore, it has been classified as a Variant of Uncertain Significance.

Literature cited by the submitters: PubMed 17576681; PubMed 9536098.